The following is an entry in ClinVar:

NM_001130144.3(LTBP3):c.3722G>C (p.Gly1241Ala)

Gene: LTBP3 (latent transforming growth factor beta binding protein 3; minus strand). Cytogenetic location: 11q13.1.
Variant type: single nucleotide variant.
Coding change: c.3722G>C on transcript NM_001130144.3 (MANE Select); coding-DNA position 3722, G replaced by C.
Protein change: p.Gly1241Ala; replaces glycine 1241 with alanine.
Molecular consequence: missense variant.
Genome position (GRCh38, 1-based): chr11:65,539,366, C>G on the plus strand (G>C on the coding strand, the complement: LTBP3 is on the minus strand). VCF-style: chr11-65539366-C-G. GRCh37 (hg19) VCF-style: chr11-65306837-C-G.
Other names: c.3230G>C, p.Gly1077Ala (NM_001164266.1); c.3581G>C, p.Gly1194Ala (NM_021070.4); short protein forms G1194A, G1241A, G1077A.
Identifiers: ClinVar variation 2854657 (VCV002854657.3), dbSNP rs2496112482, ClinGen allele CA381266212.

ClinVar aggregate classification (germline): Uncertain significance (1 of 4 stars; one submission).

Conditions:
Brachyolmia-amelogenesis imperfecta syndrome. Also called: PLATYSPONDYLY WITH AMELOGENESIS IMPERFECTA; Tooth agenesis, selective, 6; Dental anomalies and short stature. Identifiers: Orphanet 2899, MedGen C1832594, MONDO:0011018, OMIM 601216. Disease mechanism: loss of function.

Submission:

Labcorp Genetics (formerly Invitae), Labcorp
Classification: Uncertain significance for Brachyolmia-amelogenesis imperfecta syndrome. Last evaluated: 2023-04-10. Review status: criteria provided, single submitter. Criteria: Invitae Variant Classification Sherloc (09022015). Collection method: clinical testing. Allele origin: germline.
Comment: An algorithm developed to predict the effect of missense changes on protein structure and function (PolyPhen-2) suggests that this variant is likely to be tolerated. In summary, the available evidence is currently insufficient to determine the role of this variant in disease. Therefore, it has been classified as a Variant of Uncertain Significance. This variant has not been reported in the literature in individuals affected with LTBP3-related conditions. This variant is not present in population databases (gnomAD no frequency). This sequence change replaces glycine, which is neutral and non-polar, with alanine, which is neutral and non-polar, at codon 1241 of the LTBP3 protein (p.Gly1241Ala).